The following is an entry in ClinVar:

NM_198834.3(ACACA):c.4514C>G (p.Thr1505Ser)

Gene: ACACA (acetyl-CoA carboxylase alpha; minus strand). Cytogenetic location: 17q12.
Variant type: single nucleotide variant.
Coding change: c.4514C>G on transcript NM_198834.3 (MANE Select); coding-DNA position 4514, C replaced by G.
Protein change: p.Thr1505Ser; replaces threonine 1505 with serine.
Molecular consequence: missense variant.
Genome position (GRCh38, 1-based): chr17:37,191,178, G>C on the plus strand (C>G on the coding strand, the complement: ACACA is on the minus strand). VCF-style: chr17-37191178-G-C. GRCh37 (hg19) VCF-style: chr17-35548119-G-C.
Other names: c.4403C>G, p.Thr1468Ser (NM_198836.3, NM_198839.3); c.4229C>G, p.Thr1410Ser (NM_198837.2); c.4169C>G, p.Thr1390Ser (NM_198838.2); short protein forms T1410S, T1390S, T1468S, T1505S.
Identifiers: ClinVar variation 3804209 (VCV003804209.2).
Genomic context (GRCh38, chr17:37,191,178, plus strand): 5'-ACCTTTGATGGGTCCATGATAACCGTGGGCACAAAGTTGAGGAAGATGTGGTTACAGTCA[G>C]TGCGGACATTTGTATTGTTAAAAGCAACTTCCAACTCATCCATGGCTTCCAGGAGTAGCC-3'
Protein context (NP_942131.1, residues 1495-1515): EVAFNNTNVR[Thr1505Ser]DCNHIFLNFV

ClinVar aggregate classification (germline): Uncertain significance. Review status: criteria provided, multiple submitters, no conflicts (2 of 4 stars). 2 submissions from 2 submitters: Uncertain significance (2). Last evaluated 2025-04-02.

Submissions (2):

Labcorp Genetics (formerly Invitae), Labcorp
Classification: Uncertain significance. Last evaluated: 2025-04-02. Review status: criteria provided, single submitter. Criteria: Invitae Variant Classification Sherloc (09022015). Collection method: clinical testing. Allele origin: germline.
Comment: This sequence change replaces threonine, which is neutral and polar, with serine, which is neutral and polar, at codon 1468 of the ACACA protein (p.Thr1468Ser). This variant is not present in population databases (gnomAD no frequency). This variant has not been reported in the literature in individuals affected with ACACA-related conditions. An algorithm developed to predict the effect of missense changes on protein structure and function (PolyPhen-2) suggests that this variant is likely to be disruptive. In summary, the available evidence is currently insufficient to determine the role of this variant in disease. Therefore, it has been classified as a Variant of Uncertain Significance.

Ambry Genetics
Classification: Uncertain significance. Last evaluated: 2025-01-29. Review status: criteria provided, single submitter. Criteria: Ambry Variant Classification Scheme 2023. Collection method: clinical testing. Allele origin: germline.